The following is an entry in ClinVar:

ClinVar aggregate classification (germline): Uncertain significance (1 of 4 stars; one submission).

Submission:

GeneDx
Classification: Uncertain significance. Last evaluated: 2024-09-23. Review status: criteria provided, single submitter. Criteria: GeneDx Variant Classification Process June 2021. Collection method: clinical testing. Allele origin: germline. Affected: yes.
Comment: Not observed at significant frequency in large population cohorts (gnomAD); In silico analysis supports that this missense variant has a deleterious effect on protein structure/function; Has not been previously published as pathogenic or benign to our knowledge

NM_182641.4(BPTF):c.8447C>G (p.Ser2816Cys)

Gene: BPTF (bromodomain PHD finger transcription factor; plus strand). Cytogenetic location: 17q24.2.
Variant type: single nucleotide variant.
Coding change: c.8447C>G on transcript NM_182641.4 (MANE Select); coding-DNA position 8447, C replaced by G.
Protein change: p.Ser2816Cys; replaces serine 2816 with cysteine.
Molecular consequence: missense variant.
Genome position (GRCh38, 1-based): chr17:67,964,397, C>G. VCF-style: chr17-67964397-C-G. GRCh37 (hg19) VCF-style: chr17-65960513-C-G.
Other names: c.8396C>G, p.Ser2799Cys (NM_004459.7); short protein forms S2799C, S2816C.
Identifiers: ClinVar variation 3773905 (VCV003773905.1).